The following is an entry in ClinVar:

NM_000501.4(ELN):c.1283dup (p.Val429fs)

Gene: ELN (elastin; plus strand). Cytogenetic location: 7q11.23.
Variant type: Duplication.
Coding change: c.1283dup on transcript NM_000501.4 (MANE Select); coding-DNA position 1283, one base duplicated (G; older notation c.1283dupG).
Protein change: p.Val429fs; shifts the reading frame from valine 429.
Molecular consequence: frameshift variant. On other transcripts: intron variant (2).
Genome position (GRCh38, 1-based): chr7:74,056,403, G duplicated; the last of 2 consecutive G bases (chr7:74,056,402-74,056,403); duplicating either gives the same sequence. VCF-style (leftmost placement, unchanged base first): chr7-74056401-C-CG. GRCh37 (hg19) VCF-style: chr7-73470731-C-CG.
Other names: c.1253dup, p.Val419fs (NM_001081752.3, NM_001278917.2); c.1298dup, p.Val434fs (NM_001081753.3, NM_001081754.3); c.1283dup, p.Val429fs (NM_001081755.3, NM_001278912.2, NM_001278915.2 and 1 more transcripts); c.1268dup, p.Val424fs (NM_001278914.2); c.1241dup, p.Val415fs (NM_001278916.2); c.1129+46dup (NM_001278913.2); c.1105+46dup (NM_001278918.2); short protein forms V429fs, V415fs, V424fs, V419fs, V434fs.
Identifiers: ClinVar variation 3728914 (VCV003728914.2).

ClinVar aggregate classification (germline): Pathogenic (1 of 4 stars; one submission).

Conditions:
Supravalvar aortic stenosis (SVAS). Also called: Supravalvar aortic stenosis, Eisenberg type. Identifiers: Orphanet 3193, MedGen C0003499, MONDO:0008504, OMIM 185500, HP:0004381.

Submission:

Labcorp Genetics (formerly Invitae), Labcorp
Classification: Pathogenic for Supravalvar aortic stenosis. Last evaluated: 2025-01-13. Review status: criteria provided, single submitter. Criteria: Invitae Variant Classification Sherloc (09022015). Collection method: clinical testing. Allele origin: germline.
Comment: This sequence change creates a premature translational stop signal (p.Val429Serfs*64) in the ELN gene. It is expected to result in an absent or disrupted protein product. Loss-of-function variants in ELN are known to be pathogenic (PMID: 11175284). This variant is present in population databases (no rsID available, gnomAD 0.003%). This variant has not been reported in the literature in individuals affected with ELN-related conditions. Algorithms developed to predict the effect of sequence changes on RNA splicing suggest that this variant may disrupt the consensus splice site. For these reasons, this variant has been classified as Pathogenic.

Literature cited by the submitters: PubMed 11175284.